The following is an entry in ClinVar:

ClinVar aggregate classification (germline): Uncertain significance (1 of 4 stars; one submission).

gnomAD v4.1: 11 of 1,613,316 alleles (0.00068%); highest among the groups gnomAD compares: East Asian, 0.0022%; no homozygotes.

Submission:

Labcorp Genetics (formerly Invitae), Labcorp
Classification: Uncertain significance. Last evaluated: 2025-08-25. Review status: criteria provided, single submitter. Criteria: Invitae Variant Classification Sherloc (09022015). Collection method: clinical testing. Allele origin: germline.
Comment: This sequence change replaces proline, which is neutral and non-polar, with threonine, which is neutral and polar, at codon 420 of the GSR protein (p.Pro420Thr). This variant is present in population databases (rs371799004, gnomAD 0.006%). This variant has not been reported in the literature in individuals affected with GSR-related conditions. Invitae Evidence Modeling of protein sequence and biophysical properties (such as structural, functional, and spatial information, amino acid conservation, physicochemical variation, residue mobility, and thermodynamic stability) indicates that this missense variant is not expected to disrupt GSR protein function with a negative predictive value of 80%. In summary, the available evidence is currently insufficient to determine the role of this variant in disease. Therefore, it has been classified as a Variant of Uncertain Significance.

NM_000637.5(GSR):c.1258C>A (p.Pro420Thr)

Gene: GSR (glutathione-disulfide reductase; minus strand). Cytogenetic location: 8p12.
Variant type: single nucleotide variant.
Coding change: c.1258C>A on transcript NM_000637.5 (MANE Select); coding-DNA position 1258, C replaced by A.
Protein change: p.Pro420Thr; replaces proline 420 with threonine.
Molecular consequence: missense variant.
Genome position (GRCh38, 1-based): chr8:30,681,957, G>T on the plus strand (C>A on the coding strand, the complement: GSR is on the minus strand). VCF-style: chr8-30681957-G-T. GRCh37 (hg19) VCF-style: chr8-30539474-G-T.
Other names: c.1171C>A, p.Pro391Thr (NM_001195102.3); c.1099C>A, p.Pro367Thr (NM_001195103.3); c.1012C>A, p.Pro338Thr (NM_001195104.3); short protein forms P367T, P338T, P391T, P420T.
Identifiers: ClinVar variation 4752585 (VCV004752585.1).